The following is an entry in ClinVar:

NM_003105.6(SORL1):c.3277A>G (p.Ser1093Gly)

Genes: SORL1 (sortilin related receptor 1; plus strand), LOC130006953 (ATAC-STARR-seq lymphoblastoid active region 5661; plus strand). Cytogenetic location: 11q24.1.
Variant type: single nucleotide variant.
Coding change: c.3277A>G on transcript NM_003105.6 (MANE Select); coding-DNA position 3277, A replaced by G.
Protein change: p.Ser1093Gly; replaces serine 1093 with glycine.
Molecular consequence: missense variant.
Genome position (GRCh38, 1-based): chr11:121,570,210, A>G. VCF-style: chr11-121570210-A-G. GRCh37 (hg19) VCF-style: chr11-121440919-A-G.
Other names: short protein forms S1093G.
Identifiers: ClinVar variation 4731086 (VCV004731086.1).

ClinVar aggregate classification (germline): Uncertain significance (1 of 4 stars; one submission).

Submission:

Labcorp Genetics (formerly Invitae), Labcorp
Classification: Uncertain significance. Last evaluated: 2025-11-12. Review status: criteria provided, single submitter. Criteria: Invitae Variant Classification Sherloc (09022015). Collection method: clinical testing. Allele origin: germline.
Comment: This sequence change replaces serine, which is neutral and polar, with glycine, which is neutral and non-polar, at codon 1093 of the SORL1 protein (p.Ser1093Gly). This variant is not present in population databases (gnomAD no frequency). This variant has not been reported in the literature in individuals affected with SORL1-related conditions. An algorithm developed to predict the effect of missense changes on protein structure and function (PolyPhen-2) suggests that this variant is likely to be tolerated. In summary, the available evidence is currently insufficient to determine the role of this variant in disease. Therefore, it has been classified as a Variant of Uncertain Significance.